The following is an entry in ClinVar:

NM_018052.5(VAC14):c.947-3C>T

Gene: VAC14 (VAC14 component of PIKFYVE complex; minus strand). Cytogenetic location: 16q22.1.
Variant type: single nucleotide variant.
Coding change: c.947-3C>T on transcript NM_018052.5 (MANE Select); 3 bases into the intron before coding-DNA position 947, C replaced by T.
Molecular consequence: intron variant.
Genome position (GRCh38, 1-based): chr16:70,780,942, G>A on the plus strand (C>T on the coding strand, the complement: VAC14 is on the minus strand). VCF-style: chr16-70780942-G-A. GRCh37 (hg19) VCF-style: chr16-70814845-G-A.
Other names: c.245-3C>T (NM_001351157.2); c.947-3C>T (NM_018052.3).
Identifiers: ClinVar variation 1225902 (VCV001225902.14), dbSNP rs74024453, ClinGen allele CA8147877.
Genomic context (GRCh38, chr16:70,780,942, plus strand): 5'-TCGGGGGTGACCAGCTTCATCAGGCTCTGGTTGCACACGTTGGCCACTTCTTTGATGCCT[G>A]AGTCCACTGATGTAAGGAGCGTGATCTGATTTGGATGCCTGTCTCTCTAAATCTCTTGCT-3'

ClinVar aggregate classification (germline): Benign. Review status: criteria provided, multiple submitters, no conflicts (2 of 4 stars). 4 submissions from 4 submitters: Benign (3). 1 of the submissions does not count toward it. Last evaluated 2026-01-27.

Conditions:
VAC14-related disorder. Also called: VAC14-related condition.

Allele frequency attached by ClinVar (database versions not stated): ExAC 0.01121; TOPMed 0.03856; 1000 Genomes Project 0.04054; gnomAD exomes 0.00851; gnomAD 0.03757 and 0.03527; 1000 Genomes Project 30x 0.04138; ESP Exome Variant Server 0.03832.
gnomAD v4.1: 10,436 of 1,614,046 alleles (0.65%); highest among the groups gnomAD compares: African/African-American, 12%; 591 homozygotes.

Submissions (4):

Labcorp Genetics (formerly Invitae), Labcorp
Classification: Benign. Last evaluated: 2026-01-27. Review status: criteria provided, single submitter. Criteria: Invitae Variant Classification Sherloc (09022015). Collection method: clinical testing. Allele origin: germline.

GeneDx
Classification: Benign. Last evaluated: 2021-05-05. Review status: criteria provided, single submitter. Criteria: GeneDx Variant Classification Process June 2021. Collection method: clinical testing. Allele origin: germline. Affected: yes.

Breakthrough Genomics
Classification: Benign. Review status: criteria provided, single submitter. Criteria: ACMG Guidelines, 2015. Collection method: not provided. Allele origin: germline. Inheritance: Autosomal recessive inheritance. Affected: yes.

PreventionGenetics, part of Exact Sciences
Classification: Benign for VAC14-related condition. Last evaluated: 2019-04-05. Review status: no assertion criteria provided. Collection method: clinical testing. Allele origin: germline. Not counted in ClinVar's aggregate classification.
Comment: This variant is classified as benign based on ACMG/AMP sequence variant interpretation guidelines (Richards et al. 2015 PMID: 25741868, with internal and published modifications).